The following is an entry in ClinVar:

ClinVar aggregate classification (germline): Uncertain significance (1 of 4 stars; one submission).

Conditions:
Benign neonatal seizures. Also called: Convulsions benign familial neonatal dominant form; Autosomal dominant form of benign neonatal seizures; Benign familial neonatal seizures; Benign neonatal familial convulsions; Benign familial neonatal epilepsy. Identifiers: Orphanet 1949, MedGen C0220669, MONDO:0016027.

Allele frequency attached by ClinVar (database versions not stated): gnomAD exomes below 0.00001.
gnomAD v4.1: 2 of 1,612,220 alleles (0.00012%); highest among the groups gnomAD compares: Non-Finnish European, 0.00017%; no homozygotes.

Submission:

Labcorp Genetics (formerly Invitae), Labcorp
Classification: Uncertain significance for Benign neonatal seizures. Last evaluated: 2022-12-23. Review status: criteria provided, single submitter. Criteria: Invitae Variant Classification Sherloc (09022015). Collection method: clinical testing. Allele origin: germline.
Comment: This sequence change replaces lysine, which is basic and polar, with glutamine, which is neutral and polar, at codon 870 of the KCNQ3 protein (p.Lys870Gln). This variant is not present in population databases (gnomAD no frequency). This variant has not been reported in the literature in individuals affected with KCNQ3-related conditions. Advanced modeling of protein sequence and biophysical properties (such as structural, functional, and spatial information, amino acid conservation, physicochemical variation, residue mobility, and thermodynamic stability) has been performed at Invitae for this missense variant, however the output from this modeling did not meet the statistical confidence thresholds required to predict the impact of this variant on KCNQ3 protein function. In summary, the available evidence is currently insufficient to determine the role of this variant in disease. Therefore, it has been classified as a Variant of Uncertain Significance.

NM_004519.4(KCNQ3):c.2608A>C (p.Lys870Gln)

Gene: KCNQ3 (potassium voltage-gated channel subfamily Q member 3; minus strand). Cytogenetic location: 8q24.22.
Variant type: single nucleotide variant.
Coding change: c.2608A>C on transcript NM_004519.4 (MANE Select); coding-DNA position 2608, A replaced by C.
Protein change: p.Lys870Gln; replaces lysine 870 with glutamine.
Molecular consequence: missense variant.
Genome position (GRCh38, 1-based): chr8:132,129,273, T>G on the plus strand (A>C on the coding strand, the complement: KCNQ3 is on the minus strand). VCF-style: chr8-132129273-T-G. GRCh37 (hg19) VCF-style: chr8-133141520-T-G.
Other names: c.2248A>C, p.Lys750Gln (NM_001204824.2); short protein forms K750Q, K870Q.
Identifiers: ClinVar variation 2957427 (VCV002957427.3), dbSNP rs2536855835, ClinGen allele CA372215398.